The following is an entry in ClinVar:

ClinVar aggregate classification (germline): Uncertain significance (1 of 4 stars; one submission).

Conditions:
Dilated cardiomyopathy 1DD (CMD1DD). Identifiers: Orphanet 154, MedGen C2750995, MONDO:0013168, OMIM 613172.

Submission:

Labcorp Genetics (formerly Invitae), Labcorp
Classification: Uncertain significance for Dilated cardiomyopathy 1DD. Last evaluated: 2022-03-25. Review status: criteria provided, single submitter. Criteria: Invitae Variant Classification Sherloc (09022015). Collection method: clinical testing. Allele origin: germline.
Comment: In summary, the available evidence is currently insufficient to determine the role of this variant in disease. Therefore, it has been classified as a Variant of Uncertain Significance. Advanced modeling of protein sequence and biophysical properties (such as structural, functional, and spatial information, amino acid conservation, physicochemical variation, residue mobility, and thermodynamic stability) performed at Invitae indicates that this missense variant is not expected to disrupt RBM20 protein function. This variant has not been reported in the literature in individuals affected with RBM20-related conditions. This variant is not present in population databases (gnomAD no frequency). This sequence change replaces phenylalanine, which is neutral and non-polar, with leucine, which is neutral and non-polar, at codon 1143 of the RBM20 protein (p.Phe1143Leu).

NM_001134363.3(RBM20):c.3427T>C (p.Phe1143Leu)

Gene: RBM20 (RNA binding motif protein 20; plus strand). Cytogenetic location: 10q25.2.
Variant type: single nucleotide variant.
Coding change: c.3427T>C on transcript NM_001134363.3 (MANE Select); coding-DNA position 3427, T replaced by C.
Protein change: p.Phe1143Leu; replaces phenylalanine 1143 with leucine.
Molecular consequence: missense variant.
Genome position (GRCh38, 1-based): chr10:110,823,590, T>C. VCF-style: chr10-110823590-T-C. GRCh37 (hg19) VCF-style: chr10-112583348-T-C.
Other names: short protein forms F1143L.
Identifiers: ClinVar variation 2114802 (VCV002114802.4), dbSNP rs2493499837, ClinGen allele CA378384285.